The following is an entry in ClinVar:

NM_001375524.1(TRRAP):c.5260G>A (p.Ala1754Thr)

Genes: TRRAP (transformation/transcription domain associated protein; plus strand), LOC126860121 (MED14-independent group 3 enhancer GRCh37_chr7:98547245-98548444; plus strand). Cytogenetic location: 7q22.1.
Variant type: single nucleotide variant.
Coding change: c.5260G>A on transcript NM_001375524.1 (MANE Select); coding-DNA position 5260, G replaced by A.
Protein change: p.Ala1754Thr; replaces alanine 1754 with threonine.
Molecular consequence: missense variant.
Genome position (GRCh38, 1-based): chr7:98,950,188, G>A. VCF-style: chr7-98950188-G-A. GRCh37 (hg19) VCF-style: chr7-98547811-G-A.
Other names: c.5239G>A, p.Ala1747Thr (NM_001244580.2); c.5185G>A, p.Ala1729Thr (NM_003496.4); short protein forms A1747T, A1729T, A1754T.
Identifiers: ClinVar variation 2056068 (VCV002056068.22), dbSNP rs782809492, ClinGen allele CA4360515.

ClinVar aggregate classification (germline): Likely benign. Review status: criteria provided, multiple submitters, no conflicts (2 of 4 stars). 3 submissions from 3 submitters: Likely benign (3). Last evaluated 2025-06-16.

Conditions:
Inborn genetic diseases. Identifiers: MedGen C0950123, MeSH D030342.

Allele frequency attached by ClinVar (database versions not stated): gnomAD 0.00001; gnomAD exomes 0.00002; TOPMed 0.00003; ExAC 0.00004.
gnomAD v4.1: 36 of 1,614,022 alleles (0.0022%); highest among the groups gnomAD compares: Admixed American, 0.018%; no homozygotes.

Submissions (3):

Labcorp Genetics (formerly Invitae), Labcorp
Classification: Likely benign. Last evaluated: 2025-06-16. Review status: criteria provided, single submitter. Criteria: Invitae Variant Classification Sherloc (09022015). Collection method: clinical testing. Allele origin: germline.

CeGaT Center for Human Genetics Tuebingen
Classification: Likely benign. Last evaluated: 2024-07-01. Review status: criteria provided, single submitter. Criteria: CeGaT Center For Human Genetics Tuebingen Variant Classification Criteria Version 2. Collection method: clinical testing. Allele origin: germline. Affected: yes. Observed: 1 variant allele.
Comment: TRRAP: BP4

Ambry Genetics
Classification: Likely benign for Inborn genetic diseases. Last evaluated: 2022-05-18. Review status: criteria provided, single submitter. Criteria: Ambry Variant Classification Scheme 2023. Collection method: clinical testing. Allele origin: germline.